The following is an entry in ClinVar:

NM_001267550.2(TTN):c.48639-46C>T

Genes: TTN (titin; minus strand), TTN-AS1 (TTN antisense RNA 1; plus strand), LOC126806426 (BRD4-independent group 4 enhancer GRCh37_chr2:179478848-179480047; plus strand). Cytogenetic location: 2q31.2.
Variant type: single nucleotide variant.
Coding change: c.48639-46C>T on transcript NM_001267550.2 (MANE Select); 46 bases into the intron before coding-DNA position 48639, C replaced by T.
Molecular consequence: intron variant.
Genome position (GRCh38, 1-based): chr2:178,615,014, G>A on the plus strand (C>T on the coding strand, the complement: TTN is on the minus strand). VCF-style: chr2-178615014-G-A. GRCh37 (hg19) VCF-style: chr2-179479741-G-A.
Other names: c.21444-46C>T (NM_003319.4); c.22020-46C>T (NM_133437.4); c.21819-46C>T (NM_133432.3); c.40935-46C>T (NM_133378.4); c.43716-46C>T (NM_001256850.1).
Identifiers: ClinVar variation 671332 (VCV000671332.2), dbSNP rs16866416, ClinGen allele CA1994776.

ClinVar aggregate classification (germline): Benign. Review status: criteria provided, multiple submitters, no conflicts (2 of 4 stars). 2 submissions from 2 submitters: Benign (2). Last evaluated 2018-06-14.

Allele frequency attached by ClinVar (database versions not stated): gnomAD exomes 0.03789 and 0.07317; ESP Exome Variant Server 0.04292; gnomAD 0.05634 and 0.05943; TOPMed 0.06322; ExAC 0.07645; 1000 Genomes Project 30x 0.09369; 1000 Genomes Project 0.09385.
gnomAD v4.1: 60,335 of 1,498,040 alleles (4%); highest among the groups gnomAD compares: Admixed American, 17%; 2,830 homozygotes.

Submissions (2):

GeneDx
Classification: Benign. Last evaluated: 2018-06-14. Review status: criteria provided, single submitter. Criteria: GeneDx Variant Classification (06012015). Collection method: clinical testing. Allele origin: germline. Affected: yes.
Comment: This variant is considered likely benign or benign based on one or more of the following criteria: it is a conservative change, it occurs at a poorly conserved position in the protein, it is predicted to be benign by multiple in silico algorithms, and/or has population frequency not consistent with disease.

Breakthrough Genomics
Classification: Benign. Review status: criteria provided, single submitter. Criteria: ACMG Guidelines, 2015. Collection method: not provided. Allele origin: germline. Inheritance: Autosomal recessive inheritance. Affected: yes.